The following is an entry in ClinVar:

ClinVar aggregate classification (germline): Conflicting classifications of pathogenicity. Review status: criteria provided, conflicting classifications (1 of 4 stars). 9 submissions from 7 submitters: Uncertain significance (3); Likely benign (3). 3 of the submissions do not count toward it. Last evaluated 2025-06-16.

Conditions:
Odonto-onycho-dermal dysplasia. Identifiers: Orphanet 2721, MedGen C0796093, MONDO:0009773, OMIM 257980.
Tooth agenesis, selective, 4 (STHAG4). Also called: TOOTH AGENESIS, SELECTIVE, 4, WITH OR WITHOUT ECTODERMAL DYSPLASIA; LATERAL INCISORS, ABSENCE OF; LATERAL INCISORS, PEGGED OR MISSING; SUCCEDANEOUS TEETH, AGENESIS OF. Identifiers: Orphanet 99798, MedGen C1835492, MONDO:0007881, OMIM 150400. Disease mechanism: loss of function.
Schöpf-Schulz-Passarge syndrome. Also called: ECCRINE TUMORS WITH ECTODERMAL DYSPLASIA; SchC6pf-Schulz-Passarge syndrome; KERATOSIS PALMOPLANTARIS WITH CYSTIC EYELIDS, HYPODONTIA, AND HYPOTRICHOSIS. Identifiers: Orphanet 50944, MedGen C1857069, MONDO:0009145, OMIM 224750.

Allele frequency attached by ClinVar (database versions not stated): TOPMed 0.00026; gnomAD 0.00030; gnomAD exomes 0.00036 and 0.00039; ExAC 0.00052; ESP Exome Variant Server 0.00062.

Submissions (9):

Labcorp Genetics (formerly Invitae), Labcorp
Classification: Uncertain significance for Tooth agenesis, selective, 4; Odonto-onycho-dermal dysplasia. Last evaluated: 2025-06-16. Review status: criteria provided, single submitter. Criteria: Invitae Variant Classification Sherloc (09022015). Collection method: clinical testing. Allele origin: germline.
Comment: This sequence change replaces aspartic acid, which is acidic and polar, with asparagine, which is neutral and polar, at codon 217 of the WNT10A protein (p.Asp217Asn). This variant is present in population databases (rs146902156, gnomAD 0.07%), and has an allele count higher than expected for a pathogenic variant. This missense change has been observed in individual(s) with clinical features of WNT10A-related conditions (PMID: 21484994, 35999385, 36250548, 36515421; internal data). ClinVar contains an entry for this variant (Variation ID: 30567). Invitae Evidence Modeling of protein sequence and biophysical properties (such as structural, functional, and spatial information, amino acid conservation, physicochemical variation, residue mobility, and thermodynamic stability) indicates that this missense variant is not expected to disrupt WNT10A protein function with a negative predictive value of 80%. In summary, the available evidence is currently insufficient to determine the role of this variant in disease. Therefore, it has been classified as a Variant of Uncertain Significance.

Blueprint Genetics
Classification: Uncertain significance. Last evaluated: 2024-11-25. Review status: criteria provided, single submitter. Criteria: ACMG Guidelines, 2015. Collection method: clinical testing. Allele origin: germline.

Mendelics
Classification: Uncertain significance. Last evaluated: 2022-05-04. Review status: criteria provided, single submitter. Criteria: Mendelics Assertion Criteria 2019. Collection method: clinical testing. Allele origin: germline.

Illumina Laboratory Services, Illumina
Classification: Likely benign for Tooth agenesis, selective, 4. Last evaluated: 2017-04-28. Review status: criteria provided, single submitter. Criteria: ICSL Variant Classification Criteria 13 December 2019. Collection method: clinical testing. Allele origin: germline.
Comment: This variant was observed as part of a predisposition screen in an ostensibly healthy population. A literature search was performed for the gene, cDNA change, and amino acid change (where applicable). Publications were found based on this search. The evidence from the literature, in combination with allele frequency data from public databases where available, was sufficient to determine this variant is unlikely to cause disease. Therefore, this variant is classified as likely benign.

Illumina Laboratory Services, Illumina
Classification: Likely benign for Schöpf-Schulz-Passarge syndrome. Last evaluated: 2017-04-28. Review status: criteria provided, single submitter. Criteria: ICSL Variant Classification Criteria 13 December 2019. Collection method: clinical testing. Allele origin: germline.
Comment: This variant was observed as part of a predisposition screen in an ostensibly healthy population. A literature search was performed for the gene, cDNA change, and amino acid change (where applicable). No publications were found based on this search. Allele frequency data from public databases allowed determination this variant is unlikely to cause disease. Therefore, this variant is classified as likely benign.

Illumina Laboratory Services, Illumina
Classification: Likely benign for Odonto-onycho-dermal dysplasia. Last evaluated: 2017-04-28. Review status: criteria provided, single submitter. Criteria: ICSL Variant Classification Criteria 13 December 2019. Collection method: clinical testing. Allele origin: germline.
Comment: the same text as in the submission from Illumina Laboratory Services, Illumina above.

OMIM
Classification: Pathogenic for TOOTH AGENESIS, SELECTIVE, 4. Last evaluated: 2011-05-01. Review status: no assertion criteria provided. Collection method: literature only. Allele origin: germline. Not counted in ClinVar's aggregate classification.

Department of Pathology and Laboratory Medicine, Sinai Health System
Classification: Uncertain significance. Review status: no assertion criteria provided. Collection method: clinical testing. Allele origin: unknown. Affected: yes. Study: The Canadian Open Genetics Repository (COGR). Not counted in ClinVar's aggregate classification.
Comment: The WNT10A p.Asp217Asn variant was identified in the literature in a family with isolated hypodontia as a heterozygous variant in the mother and affected son, and as a compound heterozygous variant in a second affected son (Kantaputra_2011_PMID:21484994). The variant was identified in dbSNP (ID: rs146902156) and ClinVar (classified as likely benign by Illumina). The variant was identified in control databases in 118 of 279718 chromosomes at a frequency of 0.0004219 increasing the likelihood this could be a low frequency benign variant (Genome Aggregation Database March 6, 2019, v2.1.1). The variant was observed in the following populations: Other in 6 of 7158 chromosomes (freq: 0.000838), European (Finnish) in 18 of 24240 chromosomes (freq: 0.000743), European (non-Finnish) in 87 of 128028 chromosomes (freq: 0.00068), African in 3 of 24272 chromosomes (freq: 0.000124), South Asian in 3 of 30574 chromosomes (freq: 0.000098) and East Asian in 1 of 19796 chromosomes (freq: 0.000051), but was not observed in the Latino or Ashkenazi Jewish populations. The p.Asp217 residue is conserved in mammals but not in more distantly related organisms however four out of five computational analyses (PolyPhen-2, SIFT, AlignGVGD, BLOSUM, MutationTaster) do not suggest a high likelihood of impact to the protein; this information is not predictive enough to rule out pathogenicity. The variant occurs outside of the splicing consensus sequence and in silico or computational prediction software programs (SpliceSiteFinder, MaxEntScan, NNSPLICE, GeneSplicer) do not predict a difference in splicing. In summary, based on the above information the clinical significance of this variant cannot be determined with certainty at this time. This variant is classified as a variant of uncertain significance.

UniProtKB/Swiss-Prot
No classification provided. Review status: no classification provided. Collection method: not provided. Allele origin: not provided. Not counted in ClinVar's aggregate classification.

Literature cited by the submitters: PubMed 21484994 (cited by 3 submitters); PubMed 35999385 (cited by Labcorp Genetics (formerly Invitae), Labcorp); PubMed 36250548 (cited by Labcorp Genetics (formerly Invitae), Labcorp); PubMed 36515421 (cited by Labcorp Genetics (formerly Invitae), Labcorp).

NM_025216.3(WNT10A):c.649G>A (p.Asp217Asn)

Gene: WNT10A (Wnt family member 10A; plus strand). Cytogenetic location: 2q35.
Variant type: single nucleotide variant.
Coding change: c.649G>A on transcript NM_025216.3 (MANE Select); coding-DNA position 649, G replaced by A.
Protein change: p.Asp217Asn; replaces aspartic acid 217 with asparagine.
Molecular consequence: missense variant.
Genome position (GRCh38, 1-based): chr2:218,890,256, G>A. VCF-style: chr2-218890256-G-A. GRCh37 (hg19) VCF-style: chr2-219754978-G-A.
Other names: short protein forms D217N.
Identifiers: ClinVar variation 30567 (VCV000030567.11), dbSNP rs146902156, ClinGen allele CA211283.